The following is an entry in ClinVar:

NM_182914.3(SYNE2):c.14703A>T (p.Glu4901Asp)

Gene: SYNE2 (spectrin repeat containing nuclear envelope protein 2; plus strand). Cytogenetic location: 14q23.2.
Variant type: single nucleotide variant.
Coding change: c.14703A>T on transcript NM_182914.3 (MANE Select); coding-DNA position 14703, A replaced by T.
Protein change: p.Glu4901Asp; replaces glutamic acid 4901 with aspartic acid.
Molecular consequence: missense variant.
Genome position (GRCh38, 1-based): chr14:64,137,843, A>T. VCF-style: chr14-64137843-A-T. GRCh37 (hg19) VCF-style: chr14-64604561-A-T.
Other names: c.14703A>T, p.Glu4901Asp (NM_015180.6); short protein forms E4901D.
Identifiers: ClinVar variation 2769659 (VCV002769659.3), dbSNP rs2549322820, ClinGen allele CA389936710.

ClinVar aggregate classification (germline): Uncertain significance (1 of 4 stars; one submission).

Conditions:
Emery-Dreifuss muscular dystrophy 5, autosomal dominant (EDMD5). Also called: EMERY-DREIFUSS MUSCULAR DYSTROPHY 5. Identifiers: Orphanet 261, MedGen C2751805, MONDO:0013072, OMIM 612999.

Submission:

Labcorp Genetics (formerly Invitae), Labcorp
Classification: Uncertain significance for Emery-Dreifuss muscular dystrophy 5, autosomal dominant. Last evaluated: 2023-10-17. Review status: criteria provided, single submitter. Criteria: Invitae Variant Classification Sherloc (09022015). Collection method: clinical testing. Allele origin: germline.
Comment: This sequence change replaces glutamic acid, which is acidic and polar, with aspartic acid, which is acidic and polar, at codon 4901 of the SYNE2 protein (p.Glu4901Asp). This variant is not present in population databases (gnomAD no frequency). This variant has not been reported in the literature in individuals affected with SYNE2-related conditions. An algorithm developed to predict the effect of missense changes on protein structure and function (PolyPhen-2) suggests that this variant is likely to be tolerated. In summary, the available evidence is currently insufficient to determine the role of this variant in disease. Therefore, it has been classified as a Variant of Uncertain Significance.